The following is an entry in ClinVar:

NM_000052.7(ATP7A):c.2846C>A (p.Ser949Tyr)

Gene: ATP7A (ATPase copper transporting alpha; plus strand). Cytogenetic location: Xq21.1.
Variant type: single nucleotide variant.
Coding change: c.2846C>A on transcript NM_000052.7 (MANE Select); coding-DNA position 2846, C replaced by A.
Protein change: p.Ser949Tyr; replaces serine 949 with tyrosine.
Molecular consequence: missense variant.
Genome position (GRCh38, 1-based): chrX:78,021,009, C>A. VCF-style: chrX-78021009-C-A. GRCh37 (hg19) VCF-style: chrX-77276506-C-A.
Other names: c.2612C>A, p.Ser871Tyr (NM_001282224.2); c.2846C>A (NM_000052.4); short protein forms S871Y, S949Y.
Identifiers: ClinVar variation 1506635 (VCV001506635.7), dbSNP rs782807828, ClinGen allele CA10459342.

ClinVar aggregate classification (germline): Uncertain significance. Review status: criteria provided, multiple submitters, no conflicts (2 of 4 stars). 2 submissions from 2 submitters: Uncertain significance (2). Last evaluated 2026-08-12.

Conditions:
Menkes kinky-hair syndrome (MNK). Also called: Menkes Disease; Copper transport disease; Classic Menkes Disease. Identifiers: Orphanet 565, MedGen C0022716, MONDO:0010651, OMIM 309400.
Cutis laxa, X-linked (OHS). Also called: EDS IX; Occipital horn syndrome. Identifiers: Orphanet 198, MedGen C0268353, MONDO:0010572, OMIM 304150.
X-linked distal spinal muscular atrophy type 3. Also called: ATP7A-Related Distal Motor Neuropathy; NEURONOPATHY, DISTAL HEREDITARY MOTOR, X-LINKED; NEUROPATHY, DISTAL HEREDITARY MOTOR, X-LINKED; SPINAL MUSCULAR ATROPHY, DISTAL, X-LINKED RECESSIVE. Identifiers: Orphanet 139557, MedGen C1845359, MONDO:0010338, OMIM 300489.
Inborn genetic diseases. Identifiers: MedGen C0950123, MeSH D030342.

Allele frequency attached by ClinVar (database versions not stated): gnomAD exomes 0.00001 and below 0.00001; ExAC 0.00001.
gnomAD v4.1: 2 of 1,204,724 alleles (0.00017%); highest among the groups gnomAD compares: Admixed American, 0.0044%; no homozygotes.

Submissions (2):

Ambry Genetics
Classification: Uncertain significance for Inborn genetic diseases. Last evaluated: 2026-08-12. Review status: criteria provided, single submitter. Criteria: Ambry Variant Classification Scheme 2023. Collection method: clinical testing. Allele origin: germline.
Comment: The c.2846C>A (p.S949Y) alteration is located in exon 14 (coding exon 13) of the ATP7A gene. This alteration results from a C to A substitution at nucleotide position 2846, causing the serine (S) at amino acid position 949 to be replaced by a tyrosine (Y). Based on data from gnomAD, the A allele has an overall frequency of <0.001% (1/183183) total alleles studied. The highest observed frequency was 0.004% (1/27430) of Latino alleles. Based on insufficient or conflicting evidence, the clinical significance of this alteration remains unclear.

Labcorp Genetics (formerly Invitae), Labcorp
Classification: Uncertain significance for X-linked distal spinal muscular atrophy type 3; Cutis laxa, X-linked; Menkes kinky-hair syndrome. Last evaluated: 2025-04-17. Review status: criteria provided, single submitter. Criteria: Invitae Variant Classification Sherloc (09022015). Collection method: clinical testing. Allele origin: germline.
Comment: This sequence change replaces serine, which is neutral and polar, with tyrosine, which is neutral and polar, at codon 949 of the ATP7A protein (p.Ser949Tyr). The frequency data for this variant in the population databases is considered unreliable, as metrics indicate poor data quality at this position in the gnomAD database. This variant has not been reported in the literature in individuals affected with ATP7A-related conditions. ClinVar contains an entry for this variant (Variation ID: 1506635). Invitae Evidence Modeling of protein sequence and biophysical properties (such as structural, functional, and spatial information, amino acid conservation, physicochemical variation, residue mobility, and thermodynamic stability) has been performed for this missense variant. However, the output from this modeling did not meet the statistical confidence thresholds required to predict the impact of this variant on ATP7A protein function. In summary, the available evidence is currently insufficient to determine the role of this variant in disease. Therefore, it has been classified as a Variant of Uncertain Significance.